The following is an entry in ClinVar:

ClinVar aggregate classification (germline): Likely benign. Review status: criteria provided, multiple submitters, no conflicts (2 of 4 stars). 3 submissions from 3 submitters: Likely benign (3). Last evaluated 2025-02-25.

Conditions:
Hereditary breast ovarian cancer syndrome. Also called: Hereditary breast and ovarian cancer syndrome; BRCA1- and BRCA2-Associated Hereditary Breast and Ovarian Cancer; Hereditary breast and ovarian cancer; Hereditary breast and/or ovarian cancer syndrome; Hereditary breast and ovarian cancer syndrome (HBOC); Breast and ovarian cancer. Identifiers: Orphanet 145, MedGen C0677776, MeSH D061325, MONDO:0003582. Disease mechanism: loss of function.
Hereditary cancer-predisposing syndrome. Also called: Hereditary Cancer Syndrome; Hereditary neoplastic syndrome; Neoplastic Syndromes, Hereditary; Tumor predisposition. Identifiers: Orphanet 140162, MedGen C0027672, MeSH D009386, MONDO:0015356.

Submissions (3):

Labcorp Genetics (formerly Invitae), Labcorp
Classification: Likely benign for Hereditary breast ovarian cancer syndrome. Last evaluated: 2025-02-25. Review status: criteria provided, single submitter. Criteria: Invitae Variant Classification Sherloc (09022015). Collection method: clinical testing. Allele origin: germline.

Color Diagnostics, LLC DBA Color Health
Classification: Likely benign for Hereditary cancer-predisposing syndrome. Last evaluated: 2018-07-10. Review status: criteria provided, single submitter. Criteria: ACMG Guidelines, 2015. Collection method: clinical testing. Allele origin: germline.

GeneDx
Classification: Likely benign. Last evaluated: 2016-10-17. Review status: criteria provided, single submitter. Criteria: GeneDx Variant Classification (06012015). Collection method: clinical testing. Allele origin: germline. Affected: yes.
Comment: This variant is considered likely benign or benign based on one or more of the following criteria: it is a conservative change, it occurs at a poorly conserved position in the protein, it is predicted to be benign by multiple in silico algorithms, and/or has population frequency not consistent with disease.

NM_000059.4(BRCA2):c.6937+14T>G

Gene: BRCA2 (BRCA2 DNA repair associated; plus strand). Cytogenetic location: 13q13.1.
Variant type: single nucleotide variant.
Coding change: c.6937+14T>G on transcript NM_000059.4 (MANE Select); 14 bases into the intron after coding-DNA position 6937, T replaced by G.
Molecular consequence: intron variant.
Genome position (GRCh38, 1-based): chr13:32,344,667, T>G. VCF-style: chr13-32344667-T-G. GRCh37 (hg19) VCF-style: chr13-32918804-T-G.
Identifiers: ClinVar variation 390194 (VCV000390194.11), dbSNP rs1057523676, ClinGen allele CA16606800.